The following is an entry in ClinVar:

ClinVar aggregate classification (germline): Uncertain significance (1 of 4 stars; one submission).

Conditions:
BIRC6-related disorder. Also called: BIRC6-related condition.

Submission:

PreventionGenetics, part of Exact Sciences
Classification: Uncertain significance for BIRC6-related condition. Last evaluated: 2022-10-25. Review status: criteria provided, single submitter. Criteria: ACMG Guidelines, 2015. Collection method: clinical testing. Allele origin: germline.
Comment: The BIRC6 c.3772T>G variant is predicted to result in the amino acid substitution p.Ser1258Ala. To our knowledge, this variant has not been reported in the literature or in a large population database, indicating this variant is rare. At this time, the clinical significance of this variant is uncertain due to the absence of conclusive functional and genetic evidence.

NM_016252.4(BIRC6):c.3772T>G (p.Ser1258Ala)

Gene: BIRC6 (baculoviral IAP repeat containing 6; plus strand). Cytogenetic location: 2p22.3.
Variant type: single nucleotide variant.
Coding change: c.3772T>G on transcript NM_016252.4 (MANE Select); coding-DNA position 3772, T replaced by G.
Protein change: p.Ser1258Ala; replaces serine 1258 with alanine.
Molecular consequence: missense variant.
Genome position (GRCh38, 1-based): chr2:32,439,648, T>G. VCF-style: chr2-32439648-T-G. GRCh37 (hg19) VCF-style: chr2-32664716-T-G.
Other names: c.3730T>G, p.Ser1244Ala (NM_001378125.1); short protein forms S1244A, S1258A.
Identifiers: ClinVar variation 2637348 (VCV002637348.1), dbSNP rs2469828797, ClinGen allele CA346525051.